The following is an entry in ClinVar:

NM_000289.6(PFKM):c.1880+4C>T

Gene: PFKM (phosphofructokinase, muscle; plus strand). Cytogenetic location: 12q13.11.
Variant type: single nucleotide variant.
Coding change: c.1880+4C>T on transcript NM_000289.6 (MANE Select); 4 bases into the intron after coding-DNA position 1880, C replaced by T.
Molecular consequence: intron variant.
Genome position (GRCh38, 1-based): chr12:48,143,818, C>T. VCF-style: chr12-48143818-C-T. GRCh37 (hg19) VCF-style: chr12-48537601-C-T.
Other names: c.1904+4C>T (NM_001354741.2); c.1880+4C>T (NM_001354742.2, NM_001354743.2, NM_001354744.2 and 2 more transcripts); c.1730+4C>T (NM_001354747.2, NM_001354748.2); c.2093+4C>T (NM_001166686.2, NM_001354737.1, NM_001354739.1 and 1 more transcripts); c.2000+4C>T (NM_001439058.1); c.2189+4C>T (NM_001354736.1, NM_001354735.1); c.2024+4C>T (NM_001354740.1); c.1793+4C>T (NM_001354745.2); and 2 more.
Identifiers: ClinVar variation 5040080 (VCV005040080.1).
Genomic context (GRCh38, chr12:48,143,818, plus strand): 5'-TGTTGAACATCTGGTGCAAAAGATGAAAACAACTGTGAAAAGGGGCTTGGTGTTAAGGTA[C>T]CTCATCCATGGTTTGTTCCTAAATGAAGAAGAAAAATAAGCTTTGGCTCAAACCCATAGA-3'

ClinVar aggregate classification (germline): Likely benign (1 of 4 stars; one submission).

gnomAD v4.1: 1 of 1,605,784 alleles (0.000062%); highest among the groups gnomAD compares: Non-Finnish European, 0.000085%; no homozygotes.

Submission:

CeGaT Center for Human Genetics Tuebingen
Classification: Likely benign. Last evaluated: 2026-07-01. Review status: criteria provided, single submitter. Criteria: CeGaT Center For Human Genetics Tuebingen Variant Classification Criteria Version 2. Collection method: clinical testing. Allele origin: germline. Affected: yes. Observed: 1 variant allele.
Comment: PFKM: BP4